The following is an entry in ClinVar:

ClinVar aggregate classification (germline): Pathogenic. Review status: criteria provided, multiple submitters, no conflicts (2 of 4 stars). 6 submissions from 6 submitters: Pathogenic (5). 1 of the submissions does not count toward it. Last evaluated 2025-12-10.

Conditions:
Hyperornithinemia. Also called: Ornithinemia. Identifiers: MedGen C0599035, HP:0012026.
Ornithine aminotransferase deficiency (GACR). Also called: OAT DEFICIENCY; Ornithine ketoacid aminotransferase deficiency; Gyrate atrophy; Gyrate atrophy of choroid and retina; Girate atrophy of the retina; HYPERORNITHINEMIA WITH GYRATE ATROPHY OF CHOROID AND RETINA. Identifiers: Orphanet 414, MedGen C0018425, MONDO:0009796, OMIM 258870.

Allele frequency attached by ClinVar (database versions not stated): gnomAD exomes below 0.00001 and 0.00001.
gnomAD v4.1: 9 of 1,613,888 alleles (0.00056%); highest among the groups gnomAD compares: East Asian, 0.0067%; no homozygotes.

Submissions (6):

Natera, Inc.
Classification: Pathogenic for Gyrate atrophy. Last evaluated: 2025-12-10. Review status: criteria provided, single submitter. Criteria: Natera Variant Classification Schema (03/2026). Collection method: clinical testing. Allele origin: germline.
Comment: The c.1276C>T variant in OAT is a nonsense variant predicted to introduce a stop codon at amino acid 426. This variant is expected to result in nonsense mediated decay, truncation, or a dysfunctional protein product. This variant is rare in the general population with a frequency below the threshold expected for the associated phenotype(s). This variant has been observed in one or more individuals affected with the associated recessive disease, as either homozygous or compound heterozygous with a second variant (PMID: 1609808, 16151897, 24429551). Additionally, this variant has been observed to segregate in affected family members (PMID: 24429551). Functional studies show that this variant may disrupt protein function (PMID: 16151897). Given the available evidence, this variant is classified as Pathogenic.

Baylor Genetics
Classification: Pathogenic for Ornithine aminotransferase deficiency. Last evaluated: 2023-10-18. Review status: criteria provided, single submitter. Criteria: ACMG Guidelines, 2015. Collection method: clinical testing. Allele origin: unknown.

Institute of Medical Genetics and Applied Genomics, University Hospital Tübingen
Classification: Pathogenic for Ornithine aminotransferase deficiency. Last evaluated: 2023-08-29. Review status: criteria provided, single submitter. Criteria: ACMG Guidelines, 2015. Collection method: clinical testing. Allele origin: germline. Inheritance: Autosomal recessive inheritance. Affected: yes.

Labcorp Genetics (formerly Invitae), Labcorp
Classification: Pathogenic for Ornithine aminotransferase deficiency. Last evaluated: 2023-08-29. Review status: criteria provided, single submitter. Criteria: Invitae Variant Classification Sherloc (09022015). Collection method: clinical testing. Allele origin: germline.
Comment: This sequence change creates a premature translational stop signal (p.Arg426*) in the OAT gene. While this is not anticipated to result in nonsense mediated decay, it is expected to disrupt the last 14 amino acid(s) of the OAT protein. This variant is present in population databases (rs121965058, gnomAD 0.003%). This premature translational stop signal has been observed in individual(s) with gyrate atrophy (PMID: 1609808, 24429551). In at least one individual the data is consistent with being in trans (on the opposite chromosome) from a pathogenic variant. It has also been observed to segregate with disease in related individuals. ClinVar contains an entry for this variant (Variation ID: 177). Algorithms developed to predict the effect of variants on protein structure and function are not available or were not evaluated for this variant. Experimental studies have shown that this premature translational stop signal affects OAT function (PMID: 23076989). For these reasons, this variant has been classified as Pathogenic.

Women's Health and Genetics/Laboratory Corporation of America, LabCorp
Classification: Pathogenic for Hyperornithinemia. Last evaluated: 2022-06-14. Review status: criteria provided, single submitter. Criteria: LabCorp Variant Classification Summary - May 2015. Collection method: clinical testing. Allele origin: germline.
Comment: Variant summary: OAT c.1276C>T (p.Arg426X) results in a premature termination codon in the last exon of the protein, predicted to cause a truncation of the encoded protein or absence of the protein due to nonsense mediated decay, which are commonly known mechanisms for disease. The variant allele was found at a frequency of 4e-06 in 250712 control chromosomes (gnomAD). c.1276C>T has been reported in the literature in homozygous and compound heterozygous individuals affected with Ornithine Aminotransferase Deficiency (examples: Katagiri_2014 and Mashima_1994). These data indicate that the variant is very likely to be associated with disease. In yeast this variant effect results in <10% of normal activity (Doimo_2012). Two clinical diagnostic laboratories have submitted clinical-significance assessments for this variant to ClinVar after 2014 and classified the variant as pathogenic. Based on the evidence outlined above, the variant was classified as pathogenic.

OMIM
Classification: Pathogenic for GYRATE ATROPHY OF CHOROID AND RETINA. Last evaluated: 1992-07-01. Review status: no assertion criteria provided. Collection method: literature only. Allele origin: germline. Not counted in ClinVar's aggregate classification.

Literature cited by the submitters: PubMed 1609808 (cited by 3 submitters); PubMed 16151897 (cited by Natera, Inc.); PubMed 24429551 (cited by 3 submitters); PubMed 23076989 (cited by Labcorp Genetics (formerly Invitae), Labcorp and Women's Health and Genetics/Laboratory Corporation of America, LabCorp); PubMed 8125717 (cited by Women's Health and Genetics/Laboratory Corporation of America, LabCorp).

NM_000274.4(OAT):c.1276C>T (p.Arg426Ter)

Gene: OAT (ornithine aminotransferase; minus strand). Cytogenetic location: 10q26.13.
Variant type: single nucleotide variant.
Coding change: c.1276C>T on transcript NM_000274.4 (MANE Select); coding-DNA position 1276, C replaced by T.
Protein change: p.Arg426Ter; replaces arginine 426 with a stop codon.
Molecular consequence: nonsense.
Genome position (GRCh38, 1-based): chr10:124,397,986, G>A on the plus strand (C>T on the coding strand, the complement: OAT is on the minus strand). VCF-style: chr10-124397986-G-A. GRCh37 (hg19) VCF-style: chr10-126086555-G-A.
Other names: c.862C>T, p.Arg288Ter (NM_001171814.2); c.1276C>T, p.Arg426Ter (NM_001322965.2, NM_001322966.2, NM_001322967.2 and 3 more transcripts); c.955C>T, p.Arg319Ter (NM_001322971.2); c.676C>T, p.Arg226Ter (NM_001322974.2); short protein forms R426*, R288*, R226*, R319*.
Identifiers: ClinVar variation 177 (VCV000000177.17), dbSNP rs121965058, ClinGen allele CA114002.